The following is an entry in ClinVar:

ClinVar aggregate classification (germline): Pathogenic (1 of 4 stars; one submission).

Conditions:
Autosomal recessive congenital ichthyosis 1 (LI1). Also called: DESQUAMATION OF NEWBORN; ICHTHYOSIS CONGENITA; ICHTHYOSIS CONGENITA II; LAMELLAR EXFOLIATION OF NEWBORN; ICHTHYOSIS, CONGENITAL, AUTOSOMAL RECESSIVE 1, WITH BATHING SUIT DISTRIBUTION; ICHTHYOSIS, CONGENITAL, AUTOSOMAL RECESSIVE 1, WITH OR WITHOUT BATHING SUIT DISTRIBUTION. Identifiers: MedGen C4551630, MONDO:0009441, OMIM 242300.

Submission:

Myriad Genetics, Inc.
Classification: Pathogenic for Autosomal recessive congenital ichthyosis 1. Last evaluated: 2023-12-19. Review status: criteria provided, single submitter. Criteria: Myriad Autosomal Dominant, Autosomal Recessive and X-Linked Classification Criteria (2023). Collection method: clinical testing. Allele origin: unknown.
Comment: NM_000359.2(TGM1):c.614_615delTG(L205Qfs*33) is expected to be pathogenic in the context of TGM1-related autosomal recessive congenital ichthyosis. This variant is predicted to lead to an abnormal or absent protein product due to the creation of a premature termination codon in TGM1, a gene where loss-of-function variants are known to be pathogenic. Please note: this variant was assessed in the context of healthy population screening.

NM_000359.3(TGM1):c.614_615del (p.Leu205fs)

Gene: TGM1 (transglutaminase 1; minus strand). Cytogenetic location: 14q12.
Variant type: Deletion.
Coding change: c.614_615del on transcript NM_000359.3 (MANE Select); coding-DNA positions 614 to 615, 2 bases deleted (TG; older notation c.614_615delTG).
Protein change: p.Leu205fs; shifts the reading frame from leucine 205.
Molecular consequence: frameshift variant.
Genome position (GRCh38, 1-based): chr14:24,260,592-24,260,593, CA deleted on the plus strand (TG on the coding strand, the reverse complement: TGM1 is on the minus strand). VCF-style (leftmost placement, unchanged base first): chr14-24260591-TCA-T. GRCh37 (hg19) VCF-style: chr14-24729797-TCA-T.
Other names: short protein forms L205fs.
Identifiers: ClinVar variation 5012586 (VCV005012586.1).